The following is an entry in ClinVar:

ClinVar aggregate classification (germline): Uncertain significance. Review status: criteria provided, multiple submitters, no conflicts (2 of 4 stars). 4 submissions from 4 submitters: Uncertain significance (3). 1 of the submissions does not count toward it. Last evaluated 2022-08-20.

Conditions:
Mitochondrial neurogastrointestinal encephalomyopathy. Also called: MNGIE syndrome; Thymidine phosphorylase deficiency; Mitochondrial neurogastrointestinal encephalopathy syndrome. Identifiers: Orphanet 298, MedGen C0872218, MONDO:0017575.

Allele frequency attached by ClinVar (database versions not stated): gnomAD exomes 0.00001 and 0.00002; TOPMed 0.00001; gnomAD 0.00003.

Submissions (4):

Labcorp Genetics (formerly Invitae), Labcorp
Classification: Uncertain significance. Last evaluated: 2022-08-20. Review status: criteria provided, single submitter. Criteria: Invitae Variant Classification Sherloc (09022015). Collection method: clinical testing. Allele origin: germline.
Comment: This sequence change replaces glycine, which is neutral and non-polar, with arginine, which is basic and polar, at codon 363 of the TYMP protein (p.Gly363Arg). The frequency data for this variant in the population databases is considered unreliable, as metrics indicate poor data quality at this position in the gnomAD database. This variant has not been reported in the literature in individuals affected with TYMP-related conditions. ClinVar contains an entry for this variant (Variation ID: 215338). Advanced modeling of protein sequence and biophysical properties (such as structural, functional, and spatial information, amino acid conservation, physicochemical variation, residue mobility, and thermodynamic stability) performed at Invitae indicates that this missense variant is not expected to disrupt TYMP protein function. In summary, the available evidence is currently insufficient to determine the role of this variant in disease. Therefore, it has been classified as a Variant of Uncertain Significance.

GeneDx
Classification: Uncertain significance. Last evaluated: 2012-11-08. Review status: criteria provided, single submitter. Criteria: GeneDx Variant Classification (06012015). Collection method: clinical testing. Allele origin: germline. Affected: yes.
Comment: p.Gly363Arg (GGA>AGA):c.1087 G>A in exon 8 of the TYMP gene (NM_001953.3) A variant of unknown significance has been identified in the TYMP gene. The G363R missense substitution has not been published as a mutation, nor has it been reported as a benign polymorphism to our knowledge. Mutations in the TYMP gene are associated with autosomal recessive mitochondrial DNA depletion syndrome 1 (MNGIE type). The amino acid change is non-conservative in that a small, uncharged Glycine residue is replaced by a large, positively charged Arginine residue. This change occurs at a position in the TYMP protein that is not highly conserved. In silico analyses are not consistent in their predictions of whether or not G363R is damaging to the TYMP protein. Therefore, based on the currently available information, it is unclear whether G363R is a disease-causing mutation or a rare benign variant. The variant is found in MITONUC-MITOP panel(s).

Breakthrough Genomics
Classification: Uncertain significance. Review status: criteria provided, single submitter. Criteria: ACMG Guidelines, 2015. Collection method: not provided. Allele origin: germline. Inheritance: Autosomal dominant inheritance. Affected: yes.

Natera, Inc.
Classification: Uncertain significance for Mitochondrial neurogastrointestinal encephalomyopathy. Last evaluated: 2019-11-11. Review status: no assertion criteria provided. Collection method: clinical testing. Allele origin: germline. Not counted in ClinVar's aggregate classification.

NM_001953.5(TYMP):c.1087G>A (p.Gly363Arg)

Genes: SCO2 (synthesis of cytochrome C oxidase 2; minus strand), TYMP (thymidine phosphorylase; minus strand), LOC130067862 (ATAC-STARR-seq lymphoblastoid silent region 13986; plus strand). Cytogenetic location: 22q13.33.
Variant type: single nucleotide variant.
Coding change: c.1087G>A on transcript NM_001953.5 (MANE Select); coding-DNA position 1087, G replaced by A.
Protein change: p.Gly363Arg; replaces glycine 363 with arginine.
Molecular consequence: missense variant. On other transcripts: 5 prime UTR variant (1).
Genome position (GRCh38, 1-based): chr22:50,526,318, C>T on the plus strand (G>A on the coding strand, the complement: TYMP is on the minus strand). VCF-style: chr22-50526318-C-T. GRCh37 (hg19) VCF-style: chr22-50964747-C-T.
Other names: c.1087G>A, p.Gly363Arg (NM_001113755.3, NM_001113756.3, NM_001257988.1 and 1 more transcripts); c.-86G>A (NM_001169109.2); short protein forms G363R.
Identifiers: ClinVar variation 215338 (VCV000215338.8), dbSNP rs863224253, ClinGen allele CA323791.